The following is an entry in ClinVar:

ClinVar aggregate classification (germline): Likely benign. Review status: criteria provided, multiple submitters, no conflicts (2 of 4 stars). 2 submissions from 2 submitters: Likely benign (2). Last evaluated 2023-11-13.

Conditions:
Familial cancer of breast. Also called: Hereditary breast cancer; BREAST CANCER, FAMILIAL; hereditary breast carcinoma. Identifiers: Orphanet 227535, MedGen C0346153, MONDO:0016419, OMIM 114480. Disease mechanism: loss of function.
Ataxia-telangiectasia syndrome (AT). Also called: Ataxia telangiectasia (A-T); Ataxia-telangiectasia, complementation group D; AT, COMPLEMENTATION GROUP C; ATAXIA-TELANGIECTASIA, COMPLEMENTATION GROUP A; Ataxia-telangiectasia, complementation group E; ATAXIA-TELANGIECTASIA, FRESNO VARIANT. Identifiers: Orphanet 100, MedGen C0004135, MONDO:0008840, OMIM 208900.

Allele frequency attached by ClinVar (database versions not stated): gnomAD exomes below 0.00001.
gnomAD v4.1: 1 of 1,599,676 alleles (0.000063%); highest among the groups gnomAD compares: Non-Finnish European, 0.000086%; no homozygotes.

Submissions (2):

Myriad Genetics, Inc.
Classification: Likely benign for Familial cancer of breast. Last evaluated: 2023-11-13. Review status: criteria provided, single submitter. Criteria: Myriad Autosomal Dominant, Autosomal Recessive and X-Linked Classification Criteria (2023). Collection method: clinical testing. Allele origin: unknown.
Comment: This variant is considered likely benign. This variant is intronic and is not expected to impact mRNA splicing.

Labcorp Genetics (formerly Invitae), Labcorp
Classification: Likely benign for Ataxia-telangiectasia syndrome. Last evaluated: 2023-10-13. Review status: criteria provided, single submitter. Criteria: Invitae Variant Classification Sherloc (09022015). Collection method: clinical testing. Allele origin: germline.

NM_000051.4(ATM):c.5762+9A>G

Gene: ATM (ATM serine/threonine kinase; plus strand). Cytogenetic location: 11q22.3.
Variant type: single nucleotide variant.
Coding change: c.5762+9A>G on transcript NM_000051.4 (MANE Select); 9 bases into the intron after coding-DNA position 5762, A replaced by G.
Molecular consequence: intron variant.
Genome position (GRCh38, 1-based): chr11:108,307,993, A>G. VCF-style: chr11-108307993-A-G. GRCh37 (hg19) VCF-style: chr11-108178720-A-G.
Other names: c.5762+9A>G (NM_001351834.2).
Identifiers: ClinVar variation 567301 (VCV000567301.9), dbSNP rs1565486371, ClinGen allele CA891842645.